The following is an entry in ClinVar:

NM_004100.5(EYA4):c.1592A>C (p.Lys531Thr)

Genes: EYA4 (EYA transcriptional coactivator and phosphatase 4; plus strand), TARID (TCF21 antisense RNA inducing promoter demethylation; minus strand). Cytogenetic location: 6q23.2.
Variant type: single nucleotide variant.
Coding change: c.1592A>C on transcript NM_004100.5 (MANE Select); coding-DNA position 1592, A replaced by C.
Protein change: p.Lys531Thr; replaces lysine 531 with threonine.
Molecular consequence: missense variant.
Genome position (GRCh38, 1-based): chr6:133,515,411, A>C. VCF-style: chr6-133515411-A-C. GRCh37 (hg19) VCF-style: chr6-133836549-A-C.
Other names: c.1430A>C, p.Lys477Thr (NM_001301012.2); c.1610A>C, p.Lys537Thr (NM_001301013.2); c.1523A>C, p.Lys508Thr (NM_001370458.1, NM_172103.4); c.1448A>C, p.Lys483Thr (NM_001370459.1); c.1592A>C, p.Lys531Thr (NM_172105.4); short protein forms K477T, K483T, K508T, K531T, K537T.
Identifiers: ClinVar variation 3223693 (VCV003223693.4), dbSNP rs892324840, ClinGen allele CA148043437.

ClinVar aggregate classification (germline): Uncertain significance. Review status: criteria provided, multiple submitters, no conflicts (2 of 4 stars). 3 submissions from 3 submitters: Uncertain significance (3). Last evaluated 2026-03-10.

Conditions:
Cardiovascular phenotype. Identifiers: MedGen CN230736.

Allele frequency attached by ClinVar (database versions not stated): gnomAD 0.00001; gnomAD exomes below 0.00001; TOPMed 0.00001.
gnomAD v4.1: 2 of 1,603,556 alleles (0.00012%); highest among the groups gnomAD compares: African/African-American, 0.0013%; no homozygotes.

Submissions (3):

Dasa
Classification: Uncertain significance. Last evaluated: 2026-03-10. Review status: criteria provided, single submitter. Criteria: DASA Assertion Criteria. Collection method: clinical testing. Allele origin: germline.
Comment: NM_004100.5(EYA4):c.1592A>C (p.Lys531Thr) is a missense variant that results in the substitution of lysine with threonine. This variant is rare in population databases. Computational prediction algorithms are consistent with a deleterious effect. The currently available literature and clinical evidence are not sufficient to establish a definitive association between this variant and the reported condition. Therefore, this variant is classified as a variant of uncertain significance.

Women's Health and Genetics/Laboratory Corporation of America, LabCorp
Classification: Uncertain significance. Last evaluated: 2024-10-28. Review status: criteria provided, single submitter. Criteria: LabCorp Variant Classification Summary - May 2015. Collection method: clinical testing. Allele origin: germline.
Comment: Variant summary: EYA4 c.1592A>C (p.Lys531Thr) results in a non-conservative amino acid change located in the EYA domain (IPR006545) of the encoded protein sequence. Five of five in-silico tools predict a damaging effect of the variant on protein function. The variant allele was found at a frequency of 4e-06 in 251448 control chromosomes. The available data on variant occurrences in the general population are insufficient to allow any conclusion about variant significance. To our knowledge, no occurrence of c.1592A>C in individuals affected with Dilated Cardiomyopathy and no experimental evidence demonstrating its impact on protein function have been reported. ClinVar contains an entry for this variant (Variation ID: 3223693). Based on the evidence outlined above, the variant was classified as uncertain significance.

Ambry Genetics
Classification: Uncertain significance for Cardiovascular phenotype. Last evaluated: 2023-12-15. Review status: criteria provided, single submitter. Criteria: Ambry Variant Classification Scheme 2023. Collection method: clinical testing. Allele origin: germline.
Comment: The p.K531T variant (also known as c.1592A>C), located in coding exon 16 of the EYA4 gene, results from an A to C substitution at nucleotide position 1592. The lysine at codon 531 is replaced by threonine, an amino acid with similar properties. This amino acid position is conserved. In addition, this alteration is predicted to be deleterious by in silico analysis. Since supporting evidence is limited at this time, the clinical significance of this alteration remains unclear.